The following is an entry in ClinVar:

ClinVar aggregate classification (germline): Pathogenic (1 of 4 stars; one submission).

Submission:

Labcorp Genetics (formerly Invitae), Labcorp
Classification: Pathogenic. Last evaluated: 2022-09-16. Review status: criteria provided, single submitter. Criteria: Invitae Variant Classification Sherloc (09022015). Collection method: clinical testing. Allele origin: germline.
Comment: For these reasons, this variant has been classified as Pathogenic. This variant disrupts a region of the NYX protein in which other variant(s) (p.Cys362*) have been determined to be pathogenic (Invitae). This suggests that this is a clinically significant region of the protein, and that variants that disrupt it are likely to be disease-causing. ClinVar contains an entry for this variant (Variation ID: 1467177). This variant has not been reported in the literature in individuals affected with NYX-related conditions. This variant is not present in population databases (gnomAD no frequency). This sequence change creates a premature translational stop signal (p.Glu279*) in the NYX gene. While this is not anticipated to result in nonsense mediated decay, it is expected to disrupt the last 203 amino acid(s) of the NYX protein.

NM_001378477.3(NYX):c.820G>T (p.Glu274Ter)

Gene: NYX (nyctalopin; plus strand). Cytogenetic location: Xp11.4.
Variant type: single nucleotide variant.
Coding change: c.820G>T on transcript NM_001378477.3 (MANE Select); coding-DNA position 820, G replaced by T.
Protein change: p.Glu274Ter; replaces glutamic acid 274 with a stop codon.
Molecular consequence: nonsense.
Genome position (GRCh38, 1-based): chrX:41,474,288, G>T. VCF-style: chrX-41474288-G-T. GRCh37 (hg19) VCF-style: chrX-41333541-G-T.
Other names: c.820G>T, p.Glu274Ter (NM_022567.3); short protein forms E274*.
Identifiers: ClinVar variation 1467177 (VCV001467177.8), dbSNP rs2147026091, ClinGen allele CA412991324.